The following is an entry in ClinVar:

ClinVar aggregate classification (germline): Uncertain significance (1 of 4 stars; one submission).

Submission:

CeGaT Center for Human Genetics Tuebingen
Classification: Uncertain significance. Last evaluated: 2025-03-01. Review status: criteria provided, single submitter. Criteria: CeGaT Center For Human Genetics Tuebingen Variant Classification Criteria Version 2. Collection method: clinical testing. Allele origin: germline. Affected: yes. Observed: 1 variant allele.
Comment: GLDC: PM2, PP3

NM_000170.3(GLDC):c.2665G>A (p.Gly889Arg)

Gene: GLDC (glycine decarboxylase; minus strand). Cytogenetic location: 9p24.1.
Variant type: single nucleotide variant.
Coding change: c.2665G>A on transcript NM_000170.3 (MANE Select); coding-DNA position 2665, G replaced by A.
Protein change: p.Gly889Arg; replaces glycine 889 with arginine.
Molecular consequence: missense variant.
Genome position (GRCh38, 1-based): chr9:6,540,051, C>T on the plus strand (G>A on the coding strand, the complement: GLDC is on the minus strand). VCF-style: chr9-6540051-C-T. GRCh37 (hg19) VCF-style: chr9-6540051-C-T.
Other names: short protein forms G889R.
Identifiers: ClinVar variation 3778492 (VCV003778492.7).
Genomic context (GRCh38, chr9:6,540,051, plus strand): 5'-GCTTTAGGAAGTGGTCCACAGCCAGCATGGGCGGCGGCATGAATGTCAAAAGCCACTTAC[C>T]ATAATCCTGGAGTCTCTTGGCCACATCCACAGCCTCAATATTTGCAGACTTTTTGAAGGG-3'
Protein context (NP_000161.2, residues 879-899): VDVAKRLQDY[Gly889Arg]FHAPTMSWPV